The following is an entry in ClinVar:

NM_001142864.4(PIEZO1):c.4385G>A (p.Arg1462Gln)

Gene: PIEZO1 (piezo type mechanosensitive ion channel component 1 (Er blood group); minus strand). Cytogenetic location: 16q24.3.
Variant type: single nucleotide variant.
Coding change: c.4385G>A on transcript NM_001142864.4 (MANE Select); coding-DNA position 4385, G replaced by A.
Protein change: p.Arg1462Gln; replaces arginine 1462 with glutamine.
Molecular consequence: missense variant.
Genome position (GRCh38, 1-based): chr16:88,723,279, C>T on the plus strand (G>A on the coding strand, the complement: PIEZO1 is on the minus strand). VCF-style: chr16-88723279-C-T. GRCh37 (hg19) VCF-style: chr16-88789687-C-T.
Other names: p.Arg1462Gln; short protein forms R1462Q.
Identifiers: ClinVar variation 708127 (VCV000708127.31), dbSNP rs188337046, ClinGen allele CA8232164.
Genomic context (GRCh38, chr16:88,723,279, plus strand): 5'-AGCTCACCTGTGGGTAGCTGTCCTGCCTGTTCCTGCCTTGCCTGCTCCTGCTCCTGCTGC[C>T]GCCGCCTCAGCACCGCCTGGGCGTTGGTCACCCATGCCTGGTACGCCAGCTGTCGGCCAG-3'
Protein context (NP_001136336.2, residues 1452-1472): VTNAQAVLRR[Arg1462Gln]QQEQEQARQE

ClinVar aggregate classification (germline): Benign. Review status: criteria provided, multiple submitters, no conflicts (2 of 4 stars). 7 submissions from 7 submitters: Benign (5). 2 of the submissions do not count toward it. Last evaluated 2026-01-18.

Allele frequency attached by ClinVar (database versions not stated): ExAC 0.00777; TOPMed 0.01155; 1000 Genomes Project 0.01178; gnomAD 0.01884.
gnomAD v4.1: 10,370 of 1,500,642 alleles (0.69%); highest among the groups gnomAD compares: African/African-American, 2.8%; 122 homozygotes.

Submissions (7):

Labcorp Genetics (formerly Invitae), Labcorp
Classification: Benign. Last evaluated: 2026-01-18. Review status: criteria provided, single submitter. Criteria: Invitae Variant Classification Sherloc (09022015). Collection method: clinical testing. Allele origin: germline.

ARUP Laboratories, Molecular Genetics and Genomics, ARUP Laboratories
Classification: Benign. Last evaluated: 2025-05-22. Review status: criteria provided, single submitter. Criteria: ARUP Molecular Germline Variant Investigation Process 2024. Collection method: clinical testing. Allele origin: germline.

Mayo Clinic Laboratories, Mayo Clinic
Classification: Benign. Last evaluated: 2023-07-25. Review status: criteria provided, single submitter. Criteria: ACMG Guidelines, 2015. Collection method: clinical testing. Allele origin: germline. Observed: 325 variant alleles.
Comment: BS1, BS2, BP4

GeneDx
Classification: Benign. Last evaluated: 2018-10-21. Review status: criteria provided, single submitter. Criteria: GeneDx Variant Classification Process June 2021. Collection method: clinical testing. Allele origin: germline. Affected: yes.

Breakthrough Genomics
Classification: Benign. Review status: criteria provided, single submitter. Criteria: ACMG Guidelines, 2015. Collection method: not provided. Allele origin: germline. Inheritance: Autosomal recessive inheritance. Affected: yes.

Clinical Genetics, Academic Medical Center
Classification: Benign. Review status: no assertion criteria provided. Collection method: clinical testing. Allele origin: germline. Affected: yes. Study: VKGL Data-share Consensus. Not counted in ClinVar's aggregate classification.

Laboratory of Diagnostic Genome Analysis, Leiden University Medical Center (LUMC)
Classification: Likely benign. Review status: no assertion criteria provided. Collection method: clinical testing. Allele origin: germline. Affected: yes. Study: VKGL Data-share Consensus. Not counted in ClinVar's aggregate classification.